The following is an entry in ClinVar:

NM_000138.5(FBN1):c.6872-1_6881dup

Gene: FBN1 (fibrillin 1; minus strand). Cytogenetic location: 15q21.1.
Variant type: Duplication.
Coding change: c.6872-1_6881dup on transcript NM_000138.5 (MANE Select); the canonical splice acceptor site of the intron before coding-DNA position 6872 through coding-DNA position 6881, 11 bases duplicated (GATGAGAATGA).
Molecular consequence: splice acceptor variant.
Genome position (GRCh38, 1-based): chr15:48,428,462-48,428,472, TCATTCTCATC duplicated on the plus strand (GATGAGAATGA on the coding strand, the reverse complement: FBN1 is on the minus strand); duplicating any 11 consecutive bases within chr15:48,428,462-48,428,473 gives the same sequence; the c. name uses the placement nearest the transcript's 3' end. VCF-style (leftmost placement, unchanged base first): chr15-48428461-T-TTCATTCTCATC. GRCh37 (hg19) VCF-style: chr15-48720658-T-TTCATTCTCATC.
Identifiers: ClinVar variation 1038497 (VCV001038497.6), dbSNP rs2042999380, ClinGen allele CA2175498470.

ClinVar aggregate classification (germline): Uncertain significance (1 of 4 stars; one submission).

Conditions:
Marfan syndrome (MFS). Also called: FBN1-Related Marfan Syndrome; MARFAN SYNDROME, TYPE I; Marfan syndrome type 1; Marfan's syndrome; Marfan syndrome, classic. Identifiers: Orphanet 284963, Orphanet 558, MedGen C0024796, MONDO:0007947, OMIM 154700.
Familial thoracic aortic aneurysm and aortic dissection (TAAD). Also called: Thoracic aortic aneurysms and dissections. Identifiers: Orphanet 91387, MedGen C4707243, MONDO:0019625.

Submission:

Labcorp Genetics (formerly Invitae), Labcorp
Classification: Uncertain significance for Marfan syndrome; Familial thoracic aortic aneurysm and aortic dissection. Last evaluated: 2020-10-16. Review status: criteria provided, single submitter. Criteria: Invitae Variant Classification Sherloc (09022015). Collection method: clinical testing. Allele origin: germline.
Comment: In summary, the available evidence is currently insufficient to determine the role of this variant in disease. Therefore, it has been classified as a Variant of Uncertain Significance. Nucleotide substitutions within the consensus splice site are a relatively common cause of aberrant splicing (PMID: 17576681, 9536098). Experimental studies and prediction algorithms are not available or were not evaluated, and the effect of this variant on mRNA splicing is currently unknown. This variant has not been reported in the literature in individuals with FBN1-related conditions. This variant is not present in population databases (ExAC no frequency). This sequence change falls in intron 56 of the FBN1 gene. It does not directly change the encoded amino acid sequence of the FBN1 protein. It affects a nucleotide within the consensus splice site of the intron.

Literature cited by the submitters: PubMed 17576681; PubMed 9536098.